The following is an entry in ClinVar:

ClinVar aggregate classification (germline): Likely pathogenic (1 of 4 stars; one submission).

Conditions:
Autosomal recessive limb-girdle muscular dystrophy type 2J (LGMDR10). Also called: Limb-girdle muscular dystrophy, type 2J; MUSCULAR DYSTROPHY, LIMB-GIRDLE, AUTOSOMAL RECESSIVE 10. Identifiers: Orphanet 140922, MedGen C1837342, MONDO:0012127, OMIM 608807.
Dilated cardiomyopathy 1G (CMD1G). Identifiers: Orphanet 154, MedGen C1858763, MONDO:0011400, OMIM 604145.

Submission:

Labcorp Genetics (formerly Invitae), Labcorp
Classification: Likely pathogenic for Dilated cardiomyopathy 1G; Autosomal recessive limb-girdle muscular dystrophy type 2J. Last evaluated: 2024-02-29. Review status: criteria provided, single submitter. Criteria: Invitae Variant Classification Sherloc (09022015). Collection method: clinical testing. Allele origin: germline.
Comment: This sequence change creates a premature translational stop signal (p.Leu4143Glnfs*27) in the TTN gene. While this is not anticipated to result in nonsense mediated decay, it is expected to create a truncated TTN protein. This variant is not present in population databases (gnomAD no frequency). This variant has not been reported in the literature in individuals affected with TTN-related conditions. This variant is located in the I band of TTN (PMID: 25589632). Truncating variants in this region have been reported in individuals affected with autosomal recessive centronuclear myopathy (PMID: 23975875, Invitae internal data). Truncating variants in this region have also been identified in individuals affected with autosomal dominant dilated cardiomyopathy and/or cardio-related conditions (PMID: 27869827, 32964742, Invitae internal data). In summary, the currently available evidence indicates that the variant is pathogenic, but additional data are needed to prove that conclusively. Therefore, this variant has been classified as Likely Pathogenic.

Literature cited by the submitters: PubMed 25589632; PubMed 23975875; PubMed 27869827; PubMed 32964742.

NM_001267550.2(TTN):c.12428_12429del (p.Leu4143fs)

Gene: TTN (titin; minus strand). Cytogenetic location: 2q31.2.
Variant type: Microsatellite.
Coding change: c.12428_12429del on transcript NM_001267550.2 (MANE Select); coding-DNA positions 12428 to 12429, 2 bases deleted (TC; older notation c.12428_12429delTC).
Protein change: p.Leu4143fs; shifts the reading frame from leucine 4143.
Molecular consequence: frameshift variant. On other transcripts: intron variant (1).
Genome position (GRCh38, 1-based): chr2:178,740,804-178,740,805, GA deleted on the plus strand (TC on the coding strand, the reverse complement: TTN is on the minus strand); deleting any 2 consecutive bases within chr2:178,740,804-178,740,808 gives the same sequence; the c. name uses the placement nearest the transcript's 3' end. VCF-style (leftmost placement, unchanged base first): chr2-178740803-TGA-T. GRCh37 (hg19) VCF-style: chr2-179605530-TGA-T.
Other names: c.11477_11478del, p.Leu3826fs (NM_001256850.1); c.11339_11340del, p.Leu3780fs (NM_003319.4); c.11714_11715del, p.Leu3905fs (NM_133432.3); c.11915_11916del, p.Leu3972fs (NM_133437.4); c.10361-2445_10361-2444del (NM_133378.4); short protein forms L3780fs, L3826fs, L3905fs, L3972fs, L4143fs.
Identifiers: ClinVar variation 3755001 (VCV003755001.2).